The following is an entry in ClinVar:

ClinVar aggregate classification (germline): Likely benign. Review status: criteria provided, multiple submitters, no conflicts (2 of 4 stars). 4 submissions from 4 submitters: Likely benign (4). Last evaluated 2026-03-12.

Conditions:
Ehlers-Danlos syndrome, kyphoscoliotic type 1 (EDSKSCL1). Also called: EHLERS-DANLOS SYNDROME, TYPE VIA; Ehlers-Danlos syndrome, hydroxylysine-deficient; EHLERS-DANLOS SYNDROME, OCULAR-SCOLIOTIC TYPE; PLOD1-Related Kyphoscoliotic Ehlers-Danlos Syndrome. Identifiers: Orphanet 1900, MedGen C0268342, MONDO:0016002, OMIM 225400. Disease mechanism: loss of function.
PLOD1-related disorder. Also called: PLOD1-related condition.
Familial thoracic aortic aneurysm and aortic dissection (TAAD). Also called: Thoracic aortic aneurysms and dissections. Identifiers: Orphanet 91387, MedGen C4707243, MONDO:0019625.

Allele frequency attached by ClinVar (database versions not stated): gnomAD 0.00003; gnomAD exomes 0.00003; ExAC 0.00005; TOPMed 0.00005; 1000 Genomes Project 30x 0.00016; 1000 Genomes Project 0.00020; ESP Exome Variant Server 0.00023.
gnomAD v4.1: 48 of 1,613,656 alleles (0.003%); highest among the groups gnomAD compares: South Asian, 0.032%; 1 homozygote.

Submissions (4):

PreventionGenetics, part of Exact Sciences
Classification: Likely benign for PLOD1-related condition. Last evaluated: 2026-03-12. Review status: criteria provided, single submitter. Criteria: ACMG Guidelines, 2015. Collection method: clinical testing. Allele origin: germline.
Comment: This variant is classified as likely benign based on ACMG/AMP sequence variant interpretation guidelines (Richards et al. 2015 PMID: 25741868, with internal and published modifications).

Labcorp Genetics (formerly Invitae), Labcorp
Classification: Likely benign for Ehlers-Danlos syndrome, kyphoscoliotic type 1. Last evaluated: 2026-01-28. Review status: criteria provided, single submitter. Criteria: Invitae Variant Classification Sherloc (09022015). Collection method: clinical testing. Allele origin: germline.

Women's Health and Genetics/Laboratory Corporation of America, LabCorp
Classification: Likely benign. Last evaluated: 2024-07-08. Review status: criteria provided, single submitter. Criteria: LabCorp Variant Classification Summary - May 2015. Collection method: clinical testing. Allele origin: germline.

Ambry Genetics
Classification: Likely benign for Familial thoracic aortic aneurysm and aortic dissection. Last evaluated: 2020-11-18. Review status: criteria provided, single submitter. Criteria: Ambry Variant Classification Scheme 2023. Collection method: clinical testing. Allele origin: germline.

NM_000302.4(PLOD1):c.711G>A (p.Pro237=)

Gene: PLOD1 (procollagen-lysine,2-oxoglutarate 5-dioxygenase 1; plus strand). Cytogenetic location: 1p36.22.
Variant type: single nucleotide variant.
Coding change: c.711G>A on transcript NM_000302.4 (MANE Select); coding-DNA position 711, G replaced by A.
Protein change: p.Pro237=; no amino-acid change (proline 237 retained).
Molecular consequence: synonymous variant.
Genome position (GRCh38, 1-based): chr1:11,956,984, G>A. VCF-style: chr1-11956984-G-A. GRCh37 (hg19) VCF-style: chr1-12017041-G-A.
Other names: c.852G>A, p.Pro284= (NM_001316320.2).
Identifiers: ClinVar variation 1757267 (VCV001757267.9), dbSNP rs149566879, ClinGen allele CA598056.
Genomic context (GRCh38, chr1:11,956,984, plus strand): 5'-CGTGCTCAAGTTTGAAATGGGCCATGTGAGAGCGAGGAACCTGGCCTATGACACCCTCCC[G>A]GTCCTGATCCATGGCAACGGGCCAACCAAGGTAGGGGGTCCCCAGCCCCTGGGGAGTGTG-3'
Protein context (NP_000293.2, residues 227-247): RARNLAYDTL[Pro237=]VLIHGNGPTK